The following is an entry in ClinVar:

ClinVar aggregate classification (germline): Uncertain significance (1 of 4 stars; one submission).

Submission:

Labcorp Genetics (formerly Invitae), Labcorp
Classification: Uncertain significance. Last evaluated: 2022-06-13. Review status: criteria provided, single submitter. Criteria: Invitae Variant Classification Sherloc (09022015). Collection method: clinical testing. Allele origin: germline.
Comment: This variant has not been reported in the literature in individuals affected with SLC34A3-related conditions. In summary, the available evidence is currently insufficient to determine the role of this variant in disease. Therefore, it has been classified as a Variant of Uncertain Significance. Algorithms developed to predict the effect of missense changes on protein structure and function output the following: SIFT: "Tolerated"; PolyPhen-2: "Benign"; Align-GVGD: "Class C0". The leucine amino acid residue is found in multiple mammalian species, which suggests that this missense change does not adversely affect protein function. This variant is present in population databases (rs34372115, gnomAD 0.003%). This sequence change replaces arginine, which is basic and polar, with leucine, which is neutral and non-polar, at codon 67 of the SLC34A3 protein (p.Arg67Leu).

NM_001177316.2(SLC34A3):c.200G>T (p.Arg67Leu)

Gene: SLC34A3 (solute carrier family 34 member 3; plus strand). Cytogenetic location: 9q34.3.
Variant type: single nucleotide variant.
Coding change: c.200G>T on transcript NM_001177316.2 (MANE Select); coding-DNA position 200, G replaced by T.
Protein change: p.Arg67Leu; replaces arginine 67 with leucine.
Molecular consequence: missense variant.
Genome position (GRCh38, 1-based): chr9:137,232,599, G>T. VCF-style: chr9-137232599-G-T. GRCh37 (hg19) VCF-style: chr9-140127051-G-T.
Other names: c.200G>T, p.Arg67Leu (NM_001177317.2, NM_080877.3); short protein forms R67L.
Identifiers: ClinVar variation 1923079 (VCV001923079.5), dbSNP rs34372115, ClinGen allele CA5364273.
Genomic context (GRCh38, chr9:137,232,599, plus strand): 5'-AGGGCCAGCCAGGGACAGCCTGCCCTGTGTCCTCAGAGCTCCGCGTGGCCGGCAGGCTGC[G>T]CCGCGTGGCCGGCAGCGTCCTCAAGGCCTGCGGGCTCCTCGGCAGCCTGTACTTCTTCAT-3'
Protein context (NP_001170787.2, residues 57-77): WKELRVAGRL[Arg67Leu]RVAGSVLKAC